The following is an entry in ClinVar:

ClinVar aggregate classification (germline): Likely benign. Review status: criteria provided, multiple submitters, no conflicts (2 of 4 stars). 3 submissions from 3 submitters: Likely benign (3). Last evaluated 2025-10-06.

Conditions:
DNAH9-related disorder. Also called: DNAH9-related condition.

Allele frequency attached by ClinVar (database versions not stated): gnomAD 0.00004 and 0.00013; TOPMed 0.00007; gnomAD exomes 0.00015 and 0.00023; 1000 Genomes Project 30x 0.00016; 1000 Genomes Project 0.00020; ExAC 0.00024.
gnomAD v4.1: 243 of 1,614,098 alleles (0.015%); highest among the groups gnomAD compares: East Asian, 0.46%; no homozygotes.

Submissions (3):

PreventionGenetics, part of Exact Sciences
Classification: Likely benign for DNAH9-related condition. Last evaluated: 2025-10-06. Review status: criteria provided, single submitter. Criteria: ACMG Guidelines, 2015. Collection method: clinical testing. Allele origin: germline.
Comment: This variant is classified as likely benign based on ACMG/AMP sequence variant interpretation guidelines (Richards et al. 2015 PMID: 25741868, with internal and published modifications).

Labcorp Genetics (formerly Invitae), Labcorp
Classification: Likely benign. Last evaluated: 2025-10-02. Review status: criteria provided, single submitter. Criteria: Invitae Variant Classification Sherloc (09022015). Collection method: clinical testing. Allele origin: germline.

Blueprint Genetics
Classification: Likely benign. Last evaluated: 2023-10-17. Review status: criteria provided, single submitter. Criteria: ACMG Guidelines, 2015. Collection method: clinical testing. Allele origin: germline.

NM_001372.4(DNAH9):c.7912G>A (p.Gly2638Arg)

Gene: DNAH9 (dynein axonemal heavy chain 9; plus strand). Cytogenetic location: 17p12.
Variant type: single nucleotide variant.
Coding change: c.7912G>A on transcript NM_001372.4 (MANE Select); coding-DNA position 7912, G replaced by A.
Protein change: p.Gly2638Arg; replaces glycine 2638 with arginine.
Molecular consequence: missense variant.
Genome position (GRCh38, 1-based): chr17:11,784,390, G>A. VCF-style: chr17-11784390-G-A. GRCh37 (hg19) VCF-style: chr17-11687707-G-A.
Other names: c.7912G>A (NM_001372.3); short protein forms G2638R.
Identifiers: ClinVar variation 1579800 (VCV001579800.10), dbSNP rs199793182, ClinGen allele CA8396770.
Genomic context (GRCh38, chr17:11,784,390, plus strand): 5'-CCGGGGGCAGATGCCCTGTCCTCTATCTACAGCATCATCCTCACTCAGCATCTGAAGCTC[G>A]GAAACTTCCCGGCGTCCCTGCAGAAATCCATCCCCCCACTGATCGATCTGGCCCTCGCCT-3'
Protein context (NP_001363.2, residues 2628-2648): SIILTQHLKL[Gly2638Arg]NFPASLQKSI